The following is an entry in ClinVar:

NM_015459.5(ATL3):c.405+1G>T

Genes: ATL3 (atlastin GTPase 3; minus strand), LNCROPM (lncRNA regulator of PLAAT3 mediated phospholipid metabolism; plus strand). Cytogenetic location: 11q13.1.
Variant type: single nucleotide variant.
Coding change: c.405+1G>T on transcript NM_015459.5 (MANE Select); the canonical splice donor site of the intron after coding-DNA position 405, G replaced by T.
Molecular consequence: splice donor variant.
Genome position (GRCh38, 1-based): chr11:63,658,760, C>A on the plus strand (G>T on the coding strand, the complement: ATL3 is on the minus strand). VCF-style: chr11-63658760-C-A. GRCh37 (hg19) VCF-style: chr11-63426232-C-A.
Other names: c.351+1G>T (NM_001290048.2).
Identifiers: ClinVar variation 1350252 (VCV001350252.8), dbSNP rs990340883, ClinGen allele CA223749380.
Genomic context (GRCh38, chr11:63,658,760, plus strand): 5'-ATGCTGAAGTTCATATTTTGTTGTTGTTGTTGTTAATCTGTAAGGTCATTTTCATCCTTA[C>A]CTTCTTCCCACCTGGCTTCTCCACAGTGAAAACTTCACTCCAGATTTGAATCCCAGTGGT-3'

ClinVar aggregate classification (germline): Uncertain significance (1 of 4 stars; one submission).

Conditions:
Neuropathy, hereditary sensory, type 1F. Also called: Hereditary sensory neuropathy type IF; HSN IF. Identifiers: Orphanet 36386, MedGen C3810194, MONDO:0014286, OMIM 615632.

Allele frequency attached by ClinVar (database versions not stated): gnomAD exomes below 0.00001; TOPMed below 0.00001.
gnomAD v4.1: 2 of 1,597,008 alleles (0.00013%); highest among the groups gnomAD compares: African/African-American, 0.0027%; no homozygotes.

Submission:

Labcorp Genetics (formerly Invitae), Labcorp
Classification: Uncertain significance for Neuropathy, hereditary sensory, type 1F. Last evaluated: 2025-05-17. Review status: criteria provided, single submitter. Criteria: Invitae Variant Classification Sherloc (09022015). Collection method: clinical testing. Allele origin: germline.
Comment: This sequence change affects a donor splice site in intron 3 of the ATL3 gene. It is expected to disrupt RNA splicing. Variants that disrupt the donor or acceptor splice site typically lead to a loss of protein function (PMID: 16199547), however the current clinical and genetic evidence is not sufficient to establish whether loss-of-function variants in ATL3 cause disease. This variant is not present in population databases (gnomAD no frequency). This variant has not been reported in the literature in individuals affected with ATL3-related conditions. ClinVar contains an entry for this variant (Variation ID: 1350252). Algorithms developed to predict the effect of sequence changes on RNA splicing suggest that this variant may disrupt the consensus splice site. In summary, the available evidence is currently insufficient to determine the role of this variant in disease. Therefore, it has been classified as a Variant of Uncertain Significance.

Literature cited by the submitters: PubMed 16199547.